The following is an entry in ClinVar:

NM_181303.2(NLGN3):c.94G>A (p.Ala32Thr)

Gene: NLGN3 (neuroligin 3; plus strand). Cytogenetic location: Xq13.1.
Variant type: single nucleotide variant.
Coding change: c.94G>A on transcript NM_181303.2 (MANE Select); coding-DNA position 94, G replaced by A.
Protein change: p.Ala32Thr; replaces alanine 32 with threonine.
Molecular consequence: missense variant. On other transcripts: intron variant (4).
Genome position (GRCh38, 1-based): chrX:71,147,843, G>A. VCF-style: chrX-71147843-G-A. GRCh37 (hg19) VCF-style: chrX-70367693-G-A.
Other names: c.94G>A, p.Ala32Thr (NM_001166660.2, NM_018977.4); c.-39+216G>A (NM_001438296.1, NM_001438298.1); c.-38-220G>A (NM_001437941.1, NM_001321276.2); short protein forms A32T.
Identifiers: ClinVar variation 4074585 (VCV004074585.1).
Genomic context (GRCh38, chrX:71,147,843, plus strand): 5'-CTGAGCCCCAAGCCCACGGTTGGCAGGAGCCTGTGCCTCACCCTGTGGTTCCTCAGTTTG[G>A]CGCTGAGGGCCAGTACCCAGGCCCCAGCACCCACAGTCAACACTCACTTTGGGAAGCTAA-3'
Protein context (NP_851820.1, residues 22-42): LCLTLWFLSL[Ala32Thr]LRASTQAPAP

ClinVar aggregate classification (germline): Uncertain significance (1 of 4 stars; one submission).

Submission:

GeneDx
Classification: Uncertain significance. Last evaluated: 2025-02-07. Review status: criteria provided, single submitter. Criteria: GeneDx Variant Classification Process June 2021. Collection method: clinical testing. Allele origin: germline. Affected: yes.
Comment: Not observed at significant frequency in large population cohorts (gnomAD); In silico analysis indicates that this missense variant does not alter protein structure/function; Has not been previously published as pathogenic or benign to our knowledge